The following is an entry in ClinVar:

ClinVar aggregate classification (germline): Likely pathogenic (1 of 4 stars; one submission).

Submission:

Labcorp Genetics (formerly Invitae), Labcorp
Classification: Likely pathogenic. Last evaluated: 2023-04-30. Review status: criteria provided, single submitter. Criteria: Invitae Variant Classification Sherloc (09022015). Collection method: clinical testing. Allele origin: germline.
Comment: This sequence change affects an acceptor splice site in intron 6 of the PHYH gene. It is expected to disrupt RNA splicing. Variants that disrupt the donor or acceptor splice site typically lead to a loss of protein function (PMID: 16199547), and loss-of-function variants in PHYH are known to be pathogenic (PMID: 9326940, 14974078). This variant is not present in population databases (gnomAD no frequency). This variant has not been reported in the literature in individuals affected with PHYH-related conditions. Algorithms developed to predict the effect of sequence changes on RNA splicing suggest that this variant may disrupt the consensus splice site. In summary, the currently available evidence indicates that the variant is pathogenic, but additional data are needed to prove that conclusively. Therefore, this variant has been classified as Likely Pathogenic.

Literature cited by the submitters: PubMed 16199547; PubMed 9326940; PubMed 14974078.

NM_006214.4(PHYH):c.679-2A>C

Gene: PHYH (phytanoyl-CoA 2-hydroxylase; minus strand). Cytogenetic location: 10p13.
Variant type: single nucleotide variant.
Coding change: c.679-2A>C on transcript NM_006214.4 (MANE Select); the canonical splice acceptor site of the intron before coding-DNA position 679, A replaced by C.
Molecular consequence: splice acceptor variant.
Genome position (GRCh38, 1-based): chr10:13,283,841, T>G on the plus strand (A>C on the coding strand, the complement: PHYH is on the minus strand). VCF-style: chr10-13283841-T-G. GRCh37 (hg19) VCF-style: chr10-13325841-T-G.
Other names: c.415-2A>C (NM_001323083.2); c.685-2A>C (NM_001323082.2); c.379-2A>C (NM_001037537.2, NM_001323080.2); c.385-2A>C (NM_001323084.2).
Identifiers: ClinVar variation 2843164 (VCV002843164.3), dbSNP rs2538635317, ClinGen allele CA376034561.
Genomic context (GRCh38, chr10:13,283,841, plus strand): 5'-ACCCGGGCCTTGTTTTCCTCGTAGTCCTGGATCCCGTGGAACATTTTGTTAACTCCCCCC[T>G]AGAACAAGAGGCAAGTGAAGTCTACATTTGAGGGAGTACCATAATTAAAAACATTGTCAA-3'